The following is an entry in ClinVar:

ClinVar aggregate classification (germline): Uncertain significance. Review status: criteria provided, multiple submitters, no conflicts (2 of 4 stars). 2 submissions from 2 submitters: Uncertain significance (2). Last evaluated 2025-06-18.

Conditions:
Familial thoracic aortic aneurysm and aortic dissection (TAAD). Also called: Thoracic aortic aneurysms and dissections. Identifiers: Orphanet 91387, MedGen C4707243, MONDO:0019625.
Aortic aneurysm, familial thoracic 4 (AAT4). Also called: AORTIC ANEURYSM/AORTIC DISSECTION AND PATENT DUCTUS ARTERIOSUS. Identifiers: MedGen C1851504, MONDO:0007568, OMIM 132900.

gnomAD v4.1: 1 of 1,614,124 alleles (0.000062%); no homozygotes.

Submissions (2):

Labcorp Genetics (formerly Invitae), Labcorp
Classification: Uncertain significance for Aortic aneurysm, familial thoracic 4. Last evaluated: 2025-06-18. Review status: criteria provided, single submitter. Criteria: Invitae Variant Classification Sherloc (09022015). Collection method: clinical testing. Allele origin: germline.
Comment: This sequence change replaces alanine, which is neutral and non-polar, with serine, which is neutral and polar, at codon 26 of the MYH11 protein (p.Ala26Ser). This variant is not present in population databases (gnomAD no frequency). This variant has not been reported in the literature in individuals affected with MYH11-related conditions. ClinVar contains an entry for this variant (Variation ID: 3074656). Invitae Evidence Modeling of protein sequence and biophysical properties (such as structural, functional, and spatial information, amino acid conservation, physicochemical variation, residue mobility, and thermodynamic stability) indicates that this missense variant is not expected to disrupt MYH11 protein function with a negative predictive value of 95%. In summary, the available evidence is currently insufficient to determine the role of this variant in disease. Therefore, it has been classified as a Variant of Uncertain Significance.

All of Us Research Program, National Institutes of Health
Classification: Uncertain significance for Familial thoracic aortic aneurysm and aortic dissection. Last evaluated: 2023-11-20. Review status: criteria provided, single submitter. Criteria: ACMG Guidelines, 2015. Collection method: clinical testing. Allele origin: germline. Inheritance: Autosomal dominant inheritance. Observed: 1 variant allele, 1 heterozygote.
Comment: This missense variant replaces alanine with serine at codon 26 of the MYH11 protein. Computational prediction suggests that this variant may not impact protein structure and function (internally defined REVEL score threshold <= 0.5, PMID: 27666373). To our knowledge, functional studies have not been reported for this variant. This variant has not been reported in individuals affected with MYH11-related disorders in the literature. This variant has not been identified in the general population by the Genome Aggregation Database (gnomAD). The available evidence is insufficient to determine the role of this variant in disease conclusively. Therefore, this variant is classified as a Variant of Uncertain Significance.

This study involves interpretation of variants in research participants for the purpose of population health screening. Participant phenotype was not available at the time of variant classification. Additional details can be found in publication PMID: 35346344, PMCID: PMC8962531

NM_002474.3(MYH11):c.76G>T (p.Ala26Ser)

Gene: MYH11 (myosin heavy chain 11; minus strand). Cytogenetic location: 16p13.11.
Variant type: single nucleotide variant.
Coding change: c.76G>T on transcript NM_002474.3 (MANE Select); coding-DNA position 76, G replaced by T.
Protein change: p.Ala26Ser; replaces alanine 26 with serine.
Molecular consequence: missense variant.
Genome position (GRCh38, 1-based): chr16:15,838,177, C>A on the plus strand (G>T on the coding strand, the complement: MYH11 is on the minus strand). VCF-style: chr16-15838177-C-A. GRCh37 (hg19) VCF-style: chr16-15932034-C-A.
Other names: c.76G>T, p.Ala26Ser (NM_001040113.2, NM_001040114.2, NM_022844.3); short protein forms A26S.
Identifiers: ClinVar variation 3074656 (VCV003074656.2), dbSNP rs2507038531, ClinGen allele CA395198791.